The following is an entry in ClinVar:

ClinVar aggregate classification (germline): Uncertain significance. Review status: criteria provided, multiple submitters, no conflicts (2 of 4 stars). 2 submissions from 2 submitters: Uncertain significance (2). Last evaluated 2025-02-13.

Conditions:
Fanconi anemia (FA). Also called: Fanconi's anemia. Identifiers: Orphanet 84, MedGen C0015625, MeSH D005199, MONDO:0019391.
Fanconi anemia complementation group D2. Also called: FANCD2-Related Fanconi Anemia; FANCONI PANCYTOPENIA, TYPE 4; FANCONI ANEMIA, COMPLEMENTATION GROUP D. Identifiers: Orphanet 84, MedGen C3160738, MONDO:0009214, OMIM 227646.

gnomAD v4.1: 1 of 1,613,796 alleles (0.000062%); no homozygotes.

Submissions (2):

Labcorp Genetics (formerly Invitae), Labcorp
Classification: Uncertain significance for Fanconi anemia. Last evaluated: 2025-02-13. Review status: criteria provided, single submitter. Criteria: Invitae Variant Classification Sherloc (09022015). Collection method: clinical testing. Allele origin: germline.
Comment: This sequence change replaces lysine, which is basic and polar, with glutamine, which is neutral and polar, at codon 913 of the FANCD2 protein (p.Lys913Gln). This variant is not present in population databases (gnomAD no frequency). This variant has not been reported in the literature in individuals affected with FANCD2-related conditions. ClinVar contains an entry for this variant (Variation ID: 3588203). Invitae Evidence Modeling of protein sequence and biophysical properties (such as structural, functional, and spatial information, amino acid conservation, physicochemical variation, residue mobility, and thermodynamic stability) indicates that this missense variant is not expected to disrupt FANCD2 protein function with a negative predictive value of 80%. In summary, the available evidence is currently insufficient to determine the role of this variant in disease. Therefore, it has been classified as a Variant of Uncertain Significance.

Fulgent Genetics
Classification: Uncertain significance for Fanconi anemia complementation group D2. Last evaluated: 2024-05-12. Review status: criteria provided, single submitter. Criteria: ACMG Guidelines, 2015. Collection method: clinical testing. Allele origin: germline.

NM_001018115.3(FANCD2):c.2737A>C (p.Lys913Gln)

Genes: FANCD2 (FA complementation group D2; plus strand), LOC107303338 (3p25 FANCD2 Alu-mediated recombination region; plus strand). Cytogenetic location: 3p25.3.
Variant type: single nucleotide variant.
Coding change: c.2737A>C on transcript NM_001018115.3 (MANE Select); coding-DNA position 2737, A replaced by C.
Protein change: p.Lys913Gln; replaces lysine 913 with glutamine.
Molecular consequence: missense variant.
Genome position (GRCh38, 1-based): chr3:10,074,551, A>C. VCF-style: chr3-10074551-A-C. GRCh37 (hg19) VCF-style: chr3-10116235-A-C.
Other names: c.2737A>C, p.Lys913Gln (NM_001319984.2, NM_001374254.1, NM_033084.6); c.2626A>C, p.Lys876Gln (NM_001374253.1); c.2737A>C (NM_033084.4); short protein forms K913Q, K876Q.
Identifiers: ClinVar variation 3588203 (VCV003588203.2).